The following is an entry in ClinVar:

NM_001038.6(SCNN1A):c.113C>T (p.Pro38Leu)

Gene: SCNN1A (sodium channel epithelial 1 subunit alpha; minus strand). Cytogenetic location: 12p13.31.
Variant type: single nucleotide variant.
Coding change: c.113C>T on transcript NM_001038.6 (MANE Select); coding-DNA position 113, C replaced by T.
Protein change: p.Pro38Leu; replaces proline 38 with leucine.
Molecular consequence: missense variant.
Genome position (GRCh38, 1-based): chr12:6,374,671, G>A on the plus strand (C>T on the coding strand, the complement: SCNN1A is on the minus strand). VCF-style: chr12-6374671-G-A. GRCh37 (hg19) VCF-style: chr12-6483837-G-A.
Other names: c.182C>T, p.Pro61Leu (NM_001159575.2); c.290C>T, p.Pro97Leu (NM_001159576.2); short protein forms P38L, P61L, P97L.
Identifiers: ClinVar variation 3615853 (VCV003615853.2).
Genomic context (GRCh38, chr12:6,374,671, plus strand): 5'-AGCTCTCGGTAGGAGCGGTGGAACTCGATCAGGGCCTCCTCCTCCGCCGTGGGCTGCTGG[G>A]GCGCCGCAGGTTCGGGGCCCAGCCCCTGCTCCTCACGCTTGTTCCCCTTCATGAGCCCTG-3'
Protein context (NP_001029.1, residues 28-48): EQGLGPEPAA[Pro38Leu]QQPTAEEEAL

ClinVar aggregate classification (germline): Uncertain significance (1 of 4 stars; one submission).

gnomAD v4.1: 1 of 1,613,744 alleles (0.000062%); highest among the groups gnomAD compares: African/African-American, 0.0013%; no homozygotes.

Submission:

Labcorp Genetics (formerly Invitae), Labcorp
Classification: Uncertain significance. Last evaluated: 2024-05-23. Review status: criteria provided, single submitter. Criteria: Invitae Variant Classification Sherloc (09022015). Collection method: clinical testing. Allele origin: germline.
Comment: This sequence change replaces proline, which is neutral and non-polar, with leucine, which is neutral and non-polar, at codon 38 of the SCNN1A protein (p.Pro38Leu). This variant is not present in population databases (gnomAD no frequency). This variant has not been reported in the literature in individuals affected with SCNN1A-related conditions. Algorithms developed to predict the effect of missense changes on protein structure and function output the following: SIFT: "Not Available"; PolyPhen-2: "Benign"; Align-GVGD: "Not Available". The leucine amino acid residue is found in multiple mammalian species, which suggests that this missense change does not adversely affect protein function. In summary, the available evidence is currently insufficient to determine the role of this variant in disease. Therefore, it has been classified as a Variant of Uncertain Significance.